The following is an entry in ClinVar:

NM_000053.4(ATP7B):c.4051C>T (p.Gln1351Ter)

Gene: ATP7B (ATPase copper transporting beta; minus strand). Cytogenetic location: 13q14.3.
Variant type: single nucleotide variant.
Coding change: c.4051C>T on transcript NM_000053.4 (MANE Select); coding-DNA position 4051, C replaced by T.
Protein change: p.Gln1351Ter; replaces glutamine 1351 with a stop codon.
Molecular consequence: nonsense.
Genome position (GRCh38, 1-based): chr13:51,935,666, G>A on the plus strand (C>T on the coding strand, the complement: ATP7B is on the minus strand). VCF-style: chr13-51935666-G-A. GRCh37 (hg19) VCF-style: chr13-52509802-G-A.
Other names: p.Gln1351*; c.3430C>T, p.Gln1144Ter (NM_001005918.3); c.3718C>T, p.Gln1240Ter (NM_001243182.2); c.3817C>T, p.Gln1273Ter (NM_001330578.2); c.3799C>T, p.Gln1267Ter (NM_001330579.2); short protein forms Q1351*, Q1144*, Q1240*, Q1267*, Q1273*.
Identifiers: ClinVar variation 188947 (VCV000188947.35), dbSNP rs786204578, ClinGen allele CA274170.

ClinVar aggregate classification (germline): Pathogenic. Review status: criteria provided, multiple submitters, no conflicts (2 of 4 stars). 15 submissions from 15 submitters: Pathogenic (13). 2 of the submissions do not count toward it. Last evaluated 2025-08-11.

Conditions:
Wilson disease (WND). Also called: Wilson's disease. Identifiers: Orphanet 905, MedGen C0019202, MONDO:0010200, OMIM 277900. Disease mechanism: loss of function.

Allele frequency attached by ClinVar (database versions not stated): gnomAD exomes below 0.00001 and 0.00001; TOPMed 0.00001.
gnomAD v4.1: 8 of 1,613,498 alleles (0.0005%); highest among the groups gnomAD compares: Non-Finnish European, 0.00068%; no homozygotes.

Submissions (15):

Labcorp Genetics (formerly Invitae), Labcorp
Classification: Pathogenic for Wilson disease. Last evaluated: 2025-08-11. Review status: criteria provided, single submitter. Criteria: Invitae Variant Classification Sherloc (09022015). Collection method: clinical testing. Allele origin: germline.
Comment: This sequence change creates a premature translational stop signal (p.Gln1351*) in the ATP7B gene. It is expected to result in an absent or disrupted protein product. Loss-of-function variants in ATP7B are known to be pathogenic (PMID: 10441329, 16283883). This variant is present in population databases (rs786204578, gnomAD 0.0009%). This premature translational stop signal has been observed in individual(s) with Wilson disease (PMID: 11180609, 16283883, 26799313). ClinVar contains an entry for this variant (Variation ID: 188947). For these reasons, this variant has been classified as Pathogenic.

Color Diagnostics, LLC DBA Color Health
Classification: Pathogenic for Wilson disease. Last evaluated: 2024-09-09. Review status: criteria provided, single submitter. Criteria: ACMG Guidelines, 2015. Collection method: clinical testing. Allele origin: germline.
Comment: This variant changes 1 nucleotide in exon 20 of the ATP7B gene, creating a premature translation stop signal. This variant is expected to result in an absent or non-functional protein product. This variant has been observed in many individuals affected with autosomal recessive Wilson disease (PMID: 11180609, 16283883, 17154398, 17272994, 21273697, 21334398, 21610751, 22677543, 23885147, 24517292, 26799313, 30230192, 34400371, 35626790), including one homozygous individual (PMID: 17272994), four individuals who were confirmed to carry another pathogenic variant in trans (PMID: 17272994, 21610751, 26799313), and multiple individuals who carried another pathogenic variant in unknown phase (PMID: 17154398, 23885147, 24517292, 35626790). This variant has been identified in 1/245256 chromosomes in the general population by the Genome Aggregation Database (gnomAD). Loss of ATP7B function is a known mechanism of disease. Based on the available evidence, this variant is classified as Pathogenic.

Natera, Inc.
Classification: Pathogenic for Wilson disease. Last evaluated: 2024-08-22. Review status: criteria provided, single submitter. Criteria: Natera Variant Classification Schema (03/2026). Collection method: clinical testing. Allele origin: germline.
Comment: The c.4051C>T variant in ATP7B is a nonsense variant predicted to introduce a stop codon at amino acid 1351. This variant is expected to result in nonsense mediated decay, truncation, or a dysfunctional protein product. This variant is rare in the general population with a frequency below the threshold expected for the associated phenotype(s). This variant has been observed in one or more individuals affected with the associated recessive disease, as either homozygous or compound heterozygous with a second variant (PMID: 26799313, 28753182). Given the available evidence, this variant is classified as Pathogenic.

All of Us Research Program, National Institutes of Health
Classification: Pathogenic for Wilson disease. Last evaluated: 2024-07-29. Review status: criteria provided, single submitter. Criteria: ACMG Guidelines, 2015. Collection method: clinical testing. Allele origin: germline. Inheritance: Autosomal recessive inheritance. Observed: 13 variant alleles, 12 heterozygotes, 1 compound heterozygote.
Comment: This variant changes 1 nucleotide in exon 20 of the ATP7B gene, creating a premature translation stop signal. This variant is expected to result in an absent or non-functional protein product. This variant has been observed in many individuals affected with autosomal recessive Wilson disease (PMID: 11180609, 16283883, 17154398, 17272994, 21273697, 21334398, 21610751, 22677543, 23885147, 24517292, 26799313, 30230192, 34400371, 35626790), including one homozygous individual (PMID: 17272994), four individuals who were confirmed to carry another pathogenic variant in trans (PMID: 17272994, 21610751, 26799313), and multiple individuals who carried another pathogenic variant in unknown phase (PMID: 17154398, 23885147, 24517292, 35626790). This variant has been identified in 1/245256 chromosomes in the general population by the Genome Aggregation Database (gnomAD). Loss of ATP7B function is a known mechanism of disease. Based on the available evidence, this variant is classified as Pathogenic.

This study involves interpretation of variants in research participants for the purpose of population health screening. Participant phenotype was not available at the time of variant classification. Additional details can be found in publication PMID: 35346344, PMCID: PMC8962531

GeneDx
Classification: Pathogenic. Last evaluated: 2024-06-11. Review status: criteria provided, single submitter. Criteria: GeneDx Variant Classification Process June 2021. Collection method: clinical testing. Allele origin: germline. Affected: yes.
Comment: Nonsense variant predicted to result in protein truncation or nonsense mediated decay in a gene for which loss of function is a known mechanism of disease; Not observed at significant frequency in large population cohorts (gnomAD); This variant is associated with the following publications: (PMID: 25525159, 32270360, 11180609, 34400371, 17433323, 16635921, 16283883, 17154398, 34125323, 26819605, 35626790, 34764798, 18371106, 23885147, 26799313, 21610751, 17272994, 30230192)

Baylor Genetics
Classification: Pathogenic for Wilson disease. Last evaluated: 2024-02-27. Review status: criteria provided, single submitter. Criteria: ACMG Guidelines, 2015. Collection method: clinical testing. Allele origin: unknown.

Mayo Clinic Laboratories, Mayo Clinic
Classification: Pathogenic. Last evaluated: 2023-06-14. Review status: criteria provided, single submitter. Criteria: ACMG Guidelines, 2015. Collection method: clinical testing. Allele origin: germline. Observed: 1 variant allele.
Comment: PP4, PM2, PM3, PS4_moderate, PVS1_strong

Fulgent Genetics
Classification: Pathogenic for Wilson disease. Last evaluated: 2022-05-09. Review status: criteria provided, single submitter. Criteria: ACMG Guidelines, 2015. Collection method: clinical testing. Allele origin: unknown.

Genome-Nilou Lab
Classification: Pathogenic for Wilson disease. Last evaluated: 2021-08-10. Review status: criteria provided, single submitter. Criteria: ACMG Guidelines, 2015. Collection method: clinical testing. Allele origin: germline. Affected: no.

Laboratory for Molecular Medicine, Mass General Brigham Personalized Medicine
Classification: Pathogenic for Wilson disease. Last evaluated: 2020-06-11. Review status: criteria provided, single submitter. Criteria: ACMG Guidelines, 2015. Collection method: clinical testing. Allele origin: germline.
Comment: The p.Gln1351X variant in ATP7B has been reported in >10 individuals with Wilson disease, including at least 4 compound heterozygous and 1 homozygous individual (Beyersdorff 2006, Ferenci 2007, Folhoffer 2007, Genschel 2001, Gromadzka 2005, Moller 2011, Petrasek 2007, Xiong 2015). This variant has been identified in 0.0009% (1/110774) of European chromosomes by gnomAD. This nonsense variant leads to a premature termination codon at position 1351, which is predicted to lead to a truncated or absent protein. Loss of function of the ATP7B gene is an established disease mechanism in autosomal recessive Wilson disease. In summary, this variant meets criteria to be classified as pathogenic for autosomal recessive Wilson disease. ACMG/AMP criteria applied: PVS1, PM3_VeryStrong, PM2, PP4.

ARUP Laboratories, Molecular Genetics and Genomics, ARUP Laboratories
Classification: Pathogenic. Last evaluated: 2017-12-01. Review status: criteria provided, single submitter. Criteria: ARUP Molecular Germline Variant Investigation Process. Collection method: clinical testing. Allele origin: germline.
Comment: The ATP7B c.4051C>T, p.Gln1351Ter variant (rs786204578) has been reported in multiple individuals with Wilson's disease (Folhoffer 2007, Genschel 2000, Gromadzka 2005, Moller 2011, Vrabelova 2005). It is listed in ClinVar (Variation ID: 188947), and observed once in the Genome Aggregation Database general population database (1/242182 alleles). The variant introduces a premature termination codon, and is predicted to result in a truncated protein or an absent transcript. Based on the above information, the variant is classified as pathogenic. References: Folhoffer A et al. Novel mutations of the ATP7B gene among 109 Hungarian patients with Wilson's disease. Eur J Gastroenterol Hepatol. 2007; 19(2):105-11. Genschel J et al. Three novel mutations (P760L, L1305P, Q1351Stop) causing Wilson disease. Hum Mutat. 2001; 17(2):156. Gromadzka G et al. Frameshift and nonsense mutations in the gene for ATPase7B are associated with severe impairment of copper metabolism and with an early clinical manifestation of Wilson's disease. Clin Genet. 2005; 68(6):524-32. Moller L et al. Clinical presentation and mutations in Danish patients with Wilson disease. Eur J Hum Genet. 2011; 19(9):935-41. Vrabelova S et al. Mutation analysis of the ATP7B gene and genotype/phenotype correlation in 227 patients with Wilson disease. Mol Genet Metab. 2005; 86(1-2):277-85.

Women's Health and Genetics/Laboratory Corporation of America, LabCorp
Classification: Pathogenic for Wilson disease. Last evaluated: 2017-10-06. Review status: criteria provided, single submitter. Criteria: LabCorp Variant Classification Summary - May 2015. Collection method: clinical testing. Allele origin: germline.
Comment: Variant summary: The ATP7B c.4051C>T (p.Gln1351X) variant results in a premature termination codon, predicted to cause a truncated or absent ATP7B protein due to nonsense mediated decay, which are commonly known mechanisms for disease. This variant was found in 1/242182 control chromosomes at a frequency of 0.0000041, which does not exceed the estimated maximal expected allele frequency of a pathogenic ATP7B variant (0.0054006). Multiple publications cite the variant in compound heterozygote and homozygote affected individuals. A clinical diagnostic laboratory classified this variant as likely pathogenic. Taken together, this variant is classified as pathogenic.

Eurofins Ntd Llc (ga)
Classification: Pathogenic. Last evaluated: 2016-10-04. Review status: criteria provided, single submitter. Criteria: EGL Classification Definitions 2015. Collection method: clinical testing. Allele origin: germline. Observed: 1 variant allele, 1 heterozygote.

Zotz-Klimas Genetics Lab, MVZ Zotz Klimas
Classification: Pathogenic for Wilson disease. Last evaluated: 2023-11-02. Review status: no assertion criteria provided. Collection method: clinical testing. Allele origin: germline. Affected: yes. Not counted in ClinVar's aggregate classification.

Counsyl
Classification: Pathogenic for Wilson disease. Last evaluated: 2016-09-09. Review status: no assertion criteria provided. Collection method: clinical testing. Allele origin: unknown. Not counted in ClinVar's aggregate classification.

Literature cited by the submitters: PubMed 10441329 (cited by Labcorp Genetics (formerly Invitae), Labcorp); PubMed 16283883 (cited by 5 submitters); PubMed 11180609 (cited by 4 submitters); PubMed 26799313 (cited by 4 submitters); PubMed 17154398 (cited by 4 submitters); PubMed 17272994 (cited by 5 submitters); PubMed 21273697 (cited by Color Diagnostics, LLC DBA Color Health and All of Us Research Program, National Institutes of Health); PubMed 21334398 (cited by Color Diagnostics, LLC DBA Color Health and All of Us Research Program, National Institutes of Health); PubMed 21610751 (cited by 6 submitters); PubMed 22677543 (cited by 4 submitters); PubMed 23885147 (cited by 4 submitters); PubMed 24517292 (cited by Color Diagnostics, LLC DBA Color Health and All of Us Research Program, National Institutes of Health); PubMed 30230192 (cited by Color Diagnostics, LLC DBA Color Health and All of Us Research Program, National Institutes of Health); PubMed 34400371 (cited by 3 submitters); PubMed 35626790 (cited by Color Diagnostics, LLC DBA Color Health and All of Us Research Program, National Institutes of Health); PubMed 28753182 (cited by Natera, Inc.); PubMed 25525159 (cited by Laboratory for Molecular Medicine, Mass General Brigham Personalized Medicine); PubMed 17433323 (cited by Laboratory for Molecular Medicine, Mass General Brigham Personalized Medicine); PubMed 16635921 (cited by Laboratory for Molecular Medicine, Mass General Brigham Personalized Medicine); PubMed 8 (cited by Laboratory for Molecular Medicine, Mass General Brigham Personalized Medicine); PubMed 21454443 (cited by Counsyl).